The following is an entry in ClinVar:

Single allele

Genes: CRHR1 (corticotropin releasing hormone receptor 1), KANSL1 (KAT8 regulatory NSL complex subunit 1), MAPT (microtubule associated protein tau), PLEKHM1 (pleckstrin homology and RUN domain containing M1; minus strand), SPPL2C (signal peptide peptidase like 2C) and 1 more. Cytogenetic location: 17q21.31.
Variant type: Deletion.
Identifiers: ClinVar variation 800540 (VCV000800540.2).

ClinVar aggregate classification (germline): Pathogenic (1 of 4 stars; one submission).

Conditions:
Intellectual disability. Also called: Intellectual functioning disability; Intellectual developmental disorder; intellectual disabilities. Identifiers: MedGen C3714756, MeSH D008607, MONDO:0001071, HP:0001249.

Submission:

Human Genome Sequencing Center Clinical Lab, Baylor College of Medicine
Classification: Pathogenic for Intellectual disability. Last evaluated: 2019-11-18. Review status: criteria provided, single submitter. Criteria: ACMG Guidelines, 2015. Collection method: research. Allele origin: unknown. Inheritance: Autosomal dominant inheritance. Affected: yes. Observed: 1 heterozygote.
Comment: The variant is a deletion overlapping coding exons of CRHR1, SPPL2C, MAPT, STH genes, and exons 3-15 of the KANSL1 gene. Deletions overlapping KANSL1 gene have been shown to cause Koolen-de Vries syndrome, a clinically heterogeneous disorder characterized by hypotonia, developmental delay, moderate intellectual disability, and characteristic facial dysmorphism (PMID: 22544363, 26306646). For these reasons, this variant has been classified as Pathogenic.